The following is an entry in ClinVar:

ClinVar aggregate classification (germline): Benign. Review status: criteria provided, multiple submitters, no conflicts (2 of 4 stars). 14 submissions from 14 submitters: Benign (9). 5 of the submissions do not count toward it. Last evaluated 2026-02-04.

Conditions:
Juvenile polyposis syndrome (JPS). Identifiers: Orphanet 2929, MedGen C0345893, MONDO:0017380, OMIM 174900.
Hereditary cancer-predisposing syndrome. Also called: Neoplastic Syndromes, Hereditary; Hereditary neoplastic syndrome; Hereditary Cancer Syndrome; Tumor predisposition. Identifiers: Orphanet 140162, MedGen C0027672, MeSH D009386, MONDO:0015356.
Polyposis syndrome, hereditary mixed, 2. Identifiers: Orphanet 157794, MedGen C1864730, MONDO:0012405, OMIM 610069.
Generalized juvenile polyposis/juvenile polyposis coli. Also called: Juvenile polyposis coli. Identifiers: Orphanet 329971, MedGen C1868081, MONDO:0008276.

Allele frequency attached by ClinVar (database versions not stated): gnomAD exomes 0.01045; 1000 Genomes Project 0.04113; gnomAD 0.04183 and 0.03894; ExAC 0.01268; ESP Exome Variant Server 0.04344; 1000 Genomes Project 30x 0.04388; TOPMed 0.04444.
gnomAD v4.1: 12,071 of 1,613,626 alleles (0.75%); highest among the groups gnomAD compares: African/African-American, 14%; 759 homozygotes.

Submissions (14):

Labcorp Genetics (formerly Invitae), Labcorp
Classification: Benign for Juvenile polyposis syndrome. Last evaluated: 2026-02-04. Review status: criteria provided, single submitter. Criteria: Invitae Variant Classification Sherloc (09022015). Collection method: clinical testing. Allele origin: germline.

GeneKor MSA
Classification: Benign for Hereditary cancer-predisposing syndrome. Last evaluated: 2025-07-10. Review status: criteria provided, single submitter. Criteria: ACMG Guidelines, 2015. Collection method: clinical testing. Allele origin: germline.

Center for Genomic Medicine, Rigshospitalet, Copenhagen University Hospital
Classification: Benign. Last evaluated: 2025-03-04. Review status: criteria provided, single submitter. Criteria: ACMG Guidelines, 2015. Collection method: clinical testing. Allele origin: germline.

KCCC/NGS Laboratory, Kuwait Cancer Control Center
Classification: Benign for Juvenile polyposis syndrome. Last evaluated: 2023-07-07. Review status: criteria provided, single submitter. Criteria: ACMG Guidelines, 2015. Collection method: clinical testing. Allele origin: germline. Affected: yes.

Illumina Laboratory Services, Illumina
Classification: Benign for Juvenile polyposis syndrome. Last evaluated: 2018-01-13. Review status: criteria provided, single submitter. Criteria: ICSL Variant Classification Criteria 13 December 2019. Collection method: clinical testing. Allele origin: germline.
Comment: This variant was observed in the ICSL laboratory as part of a predisposition screen in an ostensibly healthy population. It had not been previously curated by ICSL or reported in the Human Gene Mutation Database (HGMD: prior to June 1st, 2018), and was therefore a candidate for classification through an automated scoring system. Utilizing variant allele frequency, disease prevalence and penetrance estimates, and inheritance mode, an automated score was calculated to assess if this variant is too frequent to cause the disease. Based on the score and internal cut-off values, a variant classified as benign is not then subjected to further curation. The score for this variant resulted in a classification of benign for this disease.

Color Diagnostics, LLC DBA Color Health
Classification: Benign for Hereditary cancer-predisposing syndrome. Last evaluated: 2016-03-09. Review status: criteria provided, single submitter. Criteria: ACMG Guidelines, 2015. Collection method: clinical testing. Allele origin: germline.

GeneDx
Classification: Benign. Last evaluated: 2015-03-03. Review status: criteria provided, single submitter. Criteria: GeneDx Variant Classification Process June 2021. Collection method: clinical testing. Allele origin: germline. Affected: yes.

Breakthrough Genomics
Classification: Benign. Review status: criteria provided, single submitter. Criteria: ACMG Guidelines, 2015. Collection method: not provided. Allele origin: germline. Inheritance: Autosomal dominant inheritance. Affected: yes.

PreventionGenetics, part of Exact Sciences
Classification: Benign. Review status: criteria provided, single submitter. Criteria: ACMG Guidelines, 2015. Collection method: clinical testing. Allele origin: germline.

Clinical Genetics, Academic Medical Center
Classification: Benign. Review status: no assertion criteria provided. Collection method: clinical testing. Allele origin: germline. Affected: yes. Study: VKGL Data-share Consensus. Not counted in ClinVar's aggregate classification.

Department of Pathology and Laboratory Medicine, Sinai Health System
Classification: Benign for Polyposis syndrome, hereditary mixed, 2. Review status: no assertion criteria provided. Collection method: clinical testing. Allele origin: unknown. Affected: yes. Study: The Canadian Open Genetics Repository (COGR). Not counted in ClinVar's aggregate classification.
Comment: The BMPR1A c.675+12G>A variant was identified in dbSNP (ID: rs12267107) as â€šÃ„ÃºWith Benign alleleâ€šÃ„Ã¹ and ClinVar (classified as benign by Prevention Genetics, Illumina, Color and Mayo Clinic). The variant was identified in control databases in 3676 (228 homozygous) of 276986 chromosomes at a frequency of 0.01 (Genome Aggregation Database Feb 27, 2017), observed in the following populations: African in 3277 (225 homozygous) of 24004 chromosomes (freq: 0.1), Other in 47 of 6448 chromosomes (freq: 0.007), Latino in 262 (2 homozygous) of 34398 chromosomes (freq: 0.008), European in 81 (1 homozygous) of 126552 chromosomes (freq: 0.0006), and South Asian in 9 of 30778 chromosomes (freq: 0.0003), while it was not observed in the Ashkenazi Jewish, East Asian, or Finnish populations. The variant occurs outside of the splicing consensus sequence and in silico or computational prediction software programs (SpliceSiteFinder, MaxEntScan, NNSPLICE, GeneSplicer) do not predict a difference in splicing. In summary, based on the above information, this variant meets our laboratory's criteria to be classified as benign.

Genome Diagnostics Laboratory, Amsterdam University Medical Center
Classification: Benign. Review status: no assertion criteria provided. Collection method: clinical testing. Allele origin: germline. Affected: yes. Study: VKGL Data-share Consensus. Not counted in ClinVar's aggregate classification.

Joint Genome Diagnostic Labs from Nijmegen and Maastricht, Radboudumc and MUMC+
Classification: Benign. Review status: no assertion criteria provided. Collection method: clinical testing. Allele origin: germline. Affected: yes. Study: VKGL Data-share Consensus. Not counted in ClinVar's aggregate classification.

Mayo Clinic Laboratories, Mayo Clinic
Classification: Benign. Review status: no assertion criteria provided. Collection method: clinical testing. Allele origin: unknown. Not counted in ClinVar's aggregate classification.

NM_004329.3(BMPR1A):c.675+12G>A

Gene: BMPR1A (bone morphogenetic protein receptor type 1A; plus strand). Cytogenetic location: 10q23.2.
Variant type: single nucleotide variant.
Coding change: c.675+12G>A on transcript NM_004329.3 (MANE Select); 12 bases into the intron after coding-DNA position 675, G replaced by A.
Molecular consequence: intron variant.
Genome position (GRCh38, 1-based): chr10:86,912,396, G>A. VCF-style: chr10-86912396-G-A. GRCh37 (hg19) VCF-style: chr10-88672153-G-A.
Identifiers: ClinVar variation 259287 (VCV000259287.34), dbSNP rs12267107, ClinGen allele CA5585569.